The following is an entry in ClinVar:

NM_001395460.1(TENM2):c.1176G>A (p.Ala392=)

Gene: TENM2 (teneurin transmembrane protein 2; plus strand). Cytogenetic location: 5q34.
Variant type: single nucleotide variant.
Coding change: c.1176G>A on transcript NM_001395460.1 (MANE Select); coding-DNA position 1176, G replaced by A.
Protein change: p.Ala392=; no amino-acid change (alanine 392 retained).
Molecular consequence: synonymous variant.
Genome position (GRCh38, 1-based): chr5:167,993,172, G>A. VCF-style: chr5-167993172-G-A. GRCh37 (hg19) VCF-style: chr5-167420177-G-A.
Other names: c.603G>A, p.Ala201= (NM_001080428.3); c.1176G>A, p.Ala392= (NM_001122679.2); c.720G>A, p.Ala240= (NM_001368145.1, NM_001368146.1).
Identifiers: ClinVar variation 3905355 (VCV003905355.10).

ClinVar aggregate classification (germline): Likely benign (1 of 4 stars; one submission).

gnomAD v4.1: 177 of 1,613,736 alleles (0.011%); highest among the groups gnomAD compares: East Asian, 0.29%; 1 homozygote.

Submission:

CeGaT Center for Human Genetics Tuebingen
Classification: Likely benign. Last evaluated: 2025-06-01. Review status: criteria provided, single submitter. Criteria: CeGaT Center For Human Genetics Tuebingen Variant Classification Criteria Version 2. Collection method: clinical testing. Allele origin: germline. Affected: yes. Observed: 1 variant allele.
Comment: TENM2: BP4, BP7